The following is an entry in ClinVar:

NM_004958.4(MTOR):c.2601G>A (p.Val867=)

Gene: MTOR (mechanistic target of rapamycin kinase; minus strand). Cytogenetic location: 1p36.22.
Variant type: single nucleotide variant.
Coding change: c.2601G>A on transcript NM_004958.4 (MANE Select); coding-DNA position 2601, G replaced by A.
Protein change: p.Val867=; no amino-acid change (valine 867 retained).
Molecular consequence: synonymous variant.
Genome position (GRCh38, 1-based): chr1:11,231,348, C>T on the plus strand (G>A on the coding strand, the complement: MTOR is on the minus strand). VCF-style: chr1-11231348-C-T. GRCh37 (hg19) VCF-style: chr1-11291405-C-T.
Other names: c.2601G>A, p.Val867= (NM_001386500.1); c.1353G>A, p.Val451= (NM_001386501.1).
Identifiers: ClinVar variation 2713851 (VCV002713851.3), dbSNP rs1321455765, ClinGen allele CA415920044.
Genomic context (GRCh38, chr1:11,231,348, plus strand): 5'-CACGTCCCCTACCTCTCTGCGTGTACCCTGGTTCTGCTCAGTCTTCAGAAAATTCAGTAG[C>T]ACCTCAAGCAAAGTAGGGTACTTCCTGTAGGGCTCTACTACATAGCCAGTGCTGGCCACC-3'
Protein context (NP_004949.1, residues 857-877): PYRKYPTLLE[Val867=]LLNFLKTEQN

ClinVar aggregate classification (germline): Uncertain significance (1 of 4 stars; one submission).

Submission:

Labcorp Genetics (formerly Invitae), Labcorp
Classification: Uncertain significance. Last evaluated: 2024-05-15. Review status: criteria provided, single submitter. Criteria: Invitae Variant Classification Sherloc (09022015). Collection method: clinical testing. Allele origin: germline.
Comment: This sequence change affects codon 867 of the MTOR mRNA. It is a 'silent' change, meaning that it does not change the encoded amino acid sequence of the MTOR protein. This variant is not present in population databases (gnomAD no frequency). This variant has not been reported in the literature in individuals affected with MTOR-related conditions. Algorithms developed to predict the effect of sequence changes on RNA splicing suggest that this variant may create or strengthen a splice site. In summary, the available evidence is currently insufficient to determine the role of this variant in disease. Therefore, it has been classified as a Variant of Uncertain Significance.